The following is an entry in ClinVar:

ClinVar aggregate classification (germline): Uncertain significance (1 of 4 stars; one submission).

Conditions:
Neurofibromatosis, type 1 (NF1). Also called: VON RECKLINGHAUSEN DISEASE; Neurofibromatosis, type I; NEUROFIBROMATOSIS, TYPE I, SOMATIC; Peripheral type neurofibromatosis. Identifiers: Orphanet 636, MedGen C0027831, MONDO:0018975, OMIM 162200. Disease mechanism: loss of function.

Submission:

Labcorp Genetics (formerly Invitae), Labcorp
Classification: Uncertain significance for Neurofibromatosis, type 1. Last evaluated: 2025-03-24. Review status: criteria provided, single submitter. Criteria: Invitae Variant Classification Sherloc (09022015). Collection method: clinical testing. Allele origin: germline.
Comment: This sequence change replaces valine, which is neutral and non-polar, with alanine, which is neutral and non-polar, at codon 1364 of the NF1 protein (p.Val1364Ala). This variant is not present in population databases (gnomAD no frequency). This variant has not been reported in the literature in individuals affected with NF1-related conditions. Invitae Evidence Modeling of protein sequence and biophysical properties (such as structural, functional, and spatial information, amino acid conservation, physicochemical variation, residue mobility, and thermodynamic stability) indicates that this missense variant is expected to disrupt NF1 protein function with a positive predictive value of 95%. In summary, the available evidence is currently insufficient to determine the role of this variant in disease. Therefore, it has been classified as a Variant of Uncertain Significance.

NM_001042492.3(NF1):c.4091T>C (p.Val1364Ala)

Gene: NF1 (neurofibromin 1; plus strand). Cytogenetic location: 17q11.2.
Variant type: single nucleotide variant.
Coding change: c.4091T>C on transcript NM_001042492.3 (MANE Select); coding-DNA position 4091, T replaced by C.
Protein change: p.Val1364Ala; replaces valine 1364 with alanine.
Molecular consequence: missense variant.
Genome position (GRCh38, 1-based): chr17:31,249,100, T>C. VCF-style: chr17-31249100-T-C. GRCh37 (hg19) VCF-style: chr17-29576118-T-C.
Other names: c.4091T>C, p.Val1364Ala (NM_000267.4); short protein forms V1364A.
Identifiers: ClinVar variation 4800761 (VCV004800761.1).